The following is an entry in ClinVar:

ClinVar aggregate classification (germline): Conflicting classifications of pathogenicity. Review status: criteria provided, conflicting classifications (1 of 4 stars). 2 submissions from 2 submitters: Uncertain significance (1); Likely benign (1). Last evaluated 2023-02-01.

Submissions (2):

CeGaT Center for Human Genetics Tuebingen
Classification: Uncertain significance. Last evaluated: 2023-02-01. Review status: criteria provided, single submitter. Criteria: CeGaT Center For Human Genetics Tuebingen Variant Classification Criteria Version 2. Collection method: clinical testing. Allele origin: germline. Affected: yes. Observed: 1 variant allele.
Comment: SETBP1: PM2, BP4

Labcorp Genetics (formerly Invitae), Labcorp
Classification: Likely benign. Last evaluated: 2022-04-29. Review status: criteria provided, single submitter. Criteria: Invitae Variant Classification Sherloc (09022015). Collection method: clinical testing. Allele origin: germline.

NM_015559.3(SETBP1):c.927C>A (p.Asn309Lys)

Gene: SETBP1 (SET binding protein 1; plus strand). Cytogenetic location: 18q12.3.
Variant type: single nucleotide variant.
Coding change: c.927C>A on transcript NM_015559.3 (MANE Select); coding-DNA position 927, C replaced by A.
Protein change: p.Asn309Lys; replaces asparagine 309 with lysine.
Molecular consequence: missense variant.
Genome position (GRCh38, 1-based): chr18:44,950,267, C>A. VCF-style: chr18-44950267-C-A. GRCh37 (hg19) VCF-style: chr18-42530232-C-A.
Other names: short protein forms N309K.
Identifiers: ClinVar variation 730877 (VCV000730877.31), dbSNP rs199603131, ClinGen allele CA402317134.